The following is an entry in ClinVar:

ClinVar aggregate classification (germline): Uncertain significance (1 of 4 stars; one submission).

Submission:

GeneDx
Classification: Uncertain significance. Last evaluated: 2025-11-30. Review status: criteria provided, single submitter. Criteria: GeneDx Variant Classification Process June 2021. Collection method: clinical testing. Allele origin: germline.
Comment: Not observed at significant frequency in large population cohorts (gnomAD); In silico analysis supports that this missense variant has a deleterious effect on protein structure/function; Has not been previously published as pathogenic or benign to our knowledge; This variant is associated with the following publications: (PMID: 27839871)

NM_001134407.3(GRIN2A):c.2503T>C (p.Phe835Leu)

Gene: GRIN2A (glutamate ionotropic receptor NMDA type subunit 2A; minus strand). Cytogenetic location: 16p13.2.
Variant type: single nucleotide variant.
Coding change: c.2503T>C on transcript NM_001134407.3 (MANE Select); coding-DNA position 2503, T replaced by C.
Protein change: p.Phe835Leu; replaces phenylalanine 835 with leucine.
Molecular consequence: missense variant.
Genome position (GRCh38, 1-based): chr16:9,768,943, A>G on the plus strand (T>C on the coding strand, the complement: GRIN2A is on the minus strand). VCF-style: chr16-9768943-A-G. GRCh37 (hg19) VCF-style: chr16-9862800-A-G.
Other names: c.2503T>C, p.Phe835Leu (NM_000833.5, NM_001134408.2); short protein forms F835L.
Identifiers: ClinVar variation 1702592 (VCV001702592.3), dbSNP rs2141150328, ClinGen allele CA394709997.